The following is an entry in ClinVar:

NM_000051.4(ATM):c.1606T>C (p.Cys536Arg)

Gene: ATM (ATM serine/threonine kinase; plus strand). Cytogenetic location: 11q22.3.
Variant type: single nucleotide variant.
Coding change: c.1606T>C on transcript NM_000051.4 (MANE Select); coding-DNA position 1606, T replaced by C.
Protein change: p.Cys536Arg; replaces cysteine 536 with arginine.
Molecular consequence: missense variant.
Genome position (GRCh38, 1-based): chr11:108,251,071, T>C. VCF-style: chr11-108251071-T-C. GRCh37 (hg19) VCF-style: chr11-108121798-T-C.
Other names: c.1606T>C, p.Cys536Arg (NM_001351834.2); short protein forms C536R.
Identifiers: ClinVar variation 1056346 (VCV001056346.12), dbSNP rs2135328461, ClinGen allele CA382534453.

ClinVar aggregate classification (germline): Uncertain significance. Review status: criteria provided, multiple submitters, no conflicts (2 of 4 stars). 2 submissions from 2 submitters: Uncertain significance (2). Last evaluated 2025-07-16.

Conditions:
Hereditary cancer-predisposing syndrome. Also called: Hereditary Cancer Syndrome; Tumor predisposition; Hereditary neoplastic syndrome; Neoplastic Syndromes, Hereditary. Identifiers: Orphanet 140162, MedGen C0027672, MeSH D009386, MONDO:0015356.
Ataxia-telangiectasia syndrome (AT). Also called: ATAXIA-TELANGIECTASIA, FRESNO VARIANT; Ataxia-telangiectasia, complementation group E; ATAXIA-TELANGIECTASIA, COMPLEMENTATION GROUP A; LOUIS-BAR SYNDROME; Ataxia-telangiectasia, complementation group D; AT, COMPLEMENTATION GROUP C. Identifiers: Orphanet 100, MedGen C0004135, MONDO:0008840, OMIM 208900.

Submissions (2):

Ambry Genetics
Classification: Uncertain significance for Hereditary cancer-predisposing syndrome. Last evaluated: 2025-07-16. Review status: criteria provided, single submitter. Criteria: Ambry Variant Classification Scheme 2023. Collection method: clinical testing. Allele origin: germline.
Comment: The p.C536R variant (also known as c.1606T>C), located in coding exon 9 of the ATM gene, results from a T to C substitution at nucleotide position 1606. The cysteine at codon 536 is replaced by arginine, an amino acid with highly dissimilar properties. This amino acid position is not well conserved in available vertebrate species. In addition, this alteration is predicted to be tolerated by in silico analysis. Since supporting evidence is limited at this time, the clinical significance of this alteration remains unclear.

Labcorp Genetics (formerly Invitae), Labcorp
Classification: Uncertain significance for Ataxia-telangiectasia syndrome. Last evaluated: 2024-06-17. Review status: criteria provided, single submitter. Criteria: Invitae Variant Classification Sherloc (09022015). Collection method: clinical testing. Allele origin: germline.
Comment: This sequence change replaces cysteine, which is neutral and slightly polar, with arginine, which is basic and polar, at codon 536 of the ATM protein (p.Cys536Arg). This variant is not present in population databases (gnomAD no frequency). This variant has not been reported in the literature in individuals affected with ATM-related conditions. ClinVar contains an entry for this variant (Variation ID: 1056346). Algorithms developed to predict the effect of missense changes on protein structure and function output the following: SIFT: "Not Available"; PolyPhen-2: "Benign"; Align-GVGD: "Not Available". The arginine amino acid residue is found in multiple mammalian species, which suggests that this missense change does not adversely affect protein function. In summary, the available evidence is currently insufficient to determine the role of this variant in disease. Therefore, it has been classified as a Variant of Uncertain Significance.